The following is an entry in ClinVar:

ClinVar aggregate classification (germline): Uncertain significance. Review status: criteria provided, multiple submitters, no conflicts (2 of 4 stars). 2 submissions from 2 submitters: Uncertain significance (2). Last evaluated 2025-07-02.

Conditions:
Inborn genetic diseases. Identifiers: MedGen C0950123, MeSH D030342.

Submissions (2):

Mayo Clinic Laboratories, Mayo Clinic
Classification: Uncertain significance. Last evaluated: 2025-07-02. Review status: criteria provided, single submitter. Criteria: ACMG Guidelines, 2015. Collection method: clinical testing. Allele origin: germline. Observed: 1 variant allele.
Comment: PM2_supporting

Ambry Genetics
Classification: Uncertain significance for Inborn genetic diseases. Last evaluated: 2025-01-28. Review status: criteria provided, single submitter. Criteria: Ambry Variant Classification Scheme 2023. Collection method: clinical testing. Allele origin: germline.
Comment: The p.A328T variant (also known as c.982G>A), located in coding exon 11 of the RTEL1 gene, results from a G to A substitution at nucleotide position 982. The alanine at codon 328 is replaced by threonine, an amino acid with similar properties. This amino acid position is conserved. In addition, the in silico prediction for this alteration is inconclusive. Based on the available evidence, the clinical significance of this variant remains unclear.

NM_001283009.2(RTEL1):c.982G>A (p.Ala328Thr)

Genes: RTEL1 (regulator of telomere elongation helicase 1; plus strand), RTEL1-TNFRSF6B (RTEL1-TNFRSF6B readthrough (NMD candidate); plus strand). Cytogenetic location: 20q13.33.
Variant type: single nucleotide variant.
Coding change: c.982G>A on transcript NM_001283009.2 (MANE Select); coding-DNA position 982, G replaced by A.
Protein change: p.Ala328Thr; replaces alanine 328 with threonine.
Molecular consequence: missense variant. On other transcripts: non-coding transcript variant (1).
Genome position (GRCh38, 1-based): chr20:63,678,291, G>A. VCF-style: chr20-63678291-G-A. GRCh37 (hg19) VCF-style: chr20-62309644-G-A.
Other names: p.Ala352Thr; c.313G>A, p.Ala105Thr (NM_001283010.1); c.982G>A, p.Ala328Thr (NM_016434.4); c.1054G>A, p.Ala352Thr (NM_032957.5); short protein forms A328T, A352T, A105T.
Identifiers: ClinVar variation 3791097 (VCV003791097.2).